The following is an entry in ClinVar:

ClinVar aggregate classification (germline): Pathogenic (1 of 4 stars; one submission).

Conditions:
Microcephaly, normal intelligence and immunodeficiency (NBS). Also called: SEEMANOVA SYNDROME II; Immunodeficiency, microcephaly with normal intelligence; IMMUNODEFICIENCY, MICROCEPHALY, AND CHROMOSOMAL INSTABILITY; Ataxia telangiectasia variant V1; BERLIN BREAKAGE SYNDROME; Nijmegen breakage syndrome. Identifiers: Orphanet 647, MedGen C0398791, MONDO:0009623, OMIM 251260.

Submission:

Labcorp Genetics (formerly Invitae), Labcorp
Classification: Pathogenic for Microcephaly, normal intelligence and immunodeficiency. Last evaluated: 2021-10-19. Review status: criteria provided, single submitter. Criteria: Invitae Variant Classification Sherloc (09022015). Collection method: clinical testing. Allele origin: germline.
Comment: For these reasons, this variant has been classified as Pathogenic. ClinVar contains an entry for this variant (Variation ID: 1074632). This variant has not been reported in the literature in individuals affected with NBN-related conditions. This variant is not present in population databases (ExAC no frequency). This sequence change creates a premature translational stop signal (p.Gly697*) in the NBN gene. It is expected to result in an absent or disrupted protein product. Loss-of-function variants in NBN are known to be pathogenic (PMID: 9590180, 16415040).

Literature cited by the submitters: PubMed 9590180; PubMed 16415040.

NM_002485.5(NBN):c.2089G>T (p.Gly697Ter)

Gene: NBN (nibrin; minus strand). Cytogenetic location: 8q21.3.
Variant type: single nucleotide variant.
Coding change: c.2089G>T on transcript NM_002485.5 (MANE Select); coding-DNA position 2089, G replaced by T.
Protein change: p.Gly697Ter; replaces glycine 697 with a stop codon.
Molecular consequence: nonsense.
Genome position (GRCh38, 1-based): chr8:89,943,348, C>A on the plus strand (G>T on the coding strand, the complement: NBN is on the minus strand). VCF-style: chr8-89943348-C-A. GRCh37 (hg19) VCF-style: chr8-90955576-C-A.
Other names: c.1843G>T, p.Gly615Ter (NM_001024688.3); short protein forms G615*, G697*.
Identifiers: ClinVar variation 1074632 (VCV001074632.7), dbSNP rs1038132485, ClinGen allele CA371675821.